The following is an entry in ClinVar:

ClinVar aggregate classification (germline): Benign. Review status: criteria provided, multiple submitters, no conflicts (2 of 4 stars). 5 submissions from 5 submitters: Benign (5). Last evaluated 2026-02-02.

Conditions:
Weill-Marchesani 4 syndrome, recessive. Also called: Weill-Marchesani syndrome 4. Identifiers: Orphanet 363992, MedGen C2750787, MONDO:0013176, OMIM 613195.

Allele frequency attached by ClinVar (database versions not stated): gnomAD exomes 0.00247 and 0.00628; ExAC 0.00767; 1000 Genomes Project 0.02356; gnomAD 0.02366 and 0.02540; 1000 Genomes Project 30x 0.02545; ESP Exome Variant Server 0.02730; TOPMed 0.02748.
gnomAD v4.1: 7,421 of 1,614,172 alleles (0.46%); highest among the groups gnomAD compares: African/African-American, 8.2%; 288 homozygotes.

Submissions (5):

Labcorp Genetics (formerly Invitae), Labcorp
Classification: Benign. Last evaluated: 2026-02-02. Review status: criteria provided, single submitter. Criteria: Invitae Variant Classification Sherloc (09022015). Collection method: clinical testing. Allele origin: germline.

Mayo Clinic Laboratories, Mayo Clinic
Classification: Benign. Last evaluated: 2023-01-23. Review status: criteria provided, single submitter. Criteria: ACMG Guidelines, 2015. Collection method: clinical testing. Allele origin: germline. Observed: 11 variant alleles.

GeneDx
Classification: Benign. Last evaluated: 2020-07-28. Review status: criteria provided, single submitter. Criteria: GeneDx Variant Classification Process June 2021. Collection method: clinical testing. Allele origin: germline. Affected: yes.

Illumina Laboratory Services, Illumina
Classification: Benign for Weill-Marchesani 4 syndrome, recessive. Last evaluated: 2018-01-13. Review status: criteria provided, single submitter. Criteria: ICSL Variant Classification Criteria 13 December 2019. Collection method: clinical testing. Allele origin: germline.
Comment: This variant was observed in the ICSL laboratory as part of a predisposition screen in an ostensibly healthy population. It had not been previously curated by ICSL or reported in the Human Gene Mutation Database (HGMD: prior to June 1st, 2018), and was therefore a candidate for classification through an automated scoring system. Utilizing variant allele frequency, disease prevalence and penetrance estimates, and inheritance mode, an automated score was calculated to assess if this variant is too frequent to cause the disease. Based on the score and internal cut-off values, a variant classified as benign is not then subjected to further curation. The score for this variant resulted in a classification of benign for this disease.

Breakthrough Genomics
Classification: Benign. Review status: criteria provided, single submitter. Criteria: ACMG Guidelines, 2015. Collection method: not provided. Allele origin: germline. Inheritance: Autosomal recessive inheritance. Affected: yes.

NM_139057.4(ADAMTS17):c.3219C>T (p.Tyr1073=)

Gene: ADAMTS17 (ADAM metallopeptidase with thrombospondin type 1 motif 17; minus strand). Cytogenetic location: 15q26.3.
Variant type: single nucleotide variant.
Coding change: c.3219C>T on transcript NM_139057.4 (MANE Select); coding-DNA position 3219, C replaced by T.
Protein change: p.Tyr1073=; no amino-acid change (tyrosine 1073 retained).
Molecular consequence: synonymous variant.
Genome position (GRCh38, 1-based): chr15:99,974,471, G>A on the plus strand (C>T on the coding strand, the complement: ADAMTS17 is on the minus strand). VCF-style: chr15-99974471-G-A. GRCh37 (hg19) VCF-style: chr15-100514676-G-A.
Other names: p.Tyr1073=.
Identifiers: ClinVar variation 315249 (VCV000315249.20), dbSNP rs78682885, ClinGen allele CA7757423.
Genomic context (GRCh38, chr15:99,974,471, plus strand): 5'-CGGCGGTGGCTGGCGCATCTTGTTTGCATAGAAGTCCCTGCAGGTCTGGCAGCAGCGCTG[G>A]TACCACCGCATGTCCTGGCAGAGGTTCTTTTCTCGGATGACCCGGCAATATACCGTCCAC-3'
Protein context (NP_620688.2, residues 1063-1083): EKNLCQDMRW[Tyr1073=]QRCCQTCRDF